The following is an entry in ClinVar:

NM_000465.4(BARD1):c.925dup (p.Thr309fs)

Gene: BARD1 (BRCA1 associated RING domain 1; minus strand). Cytogenetic location: 2q35.
Variant type: Duplication.
Coding change: c.925dup on transcript NM_000465.4 (MANE Select); coding-DNA position 925, one base duplicated (A; older notation c.925dupA).
Protein change: p.Thr309fs; shifts the reading frame from threonine 309.
Molecular consequence: frameshift variant. On other transcripts: non-coding transcript variant (2), intron variant (3).
Genome position (GRCh38, 1-based): chr2:214,780,949, T duplicated on the plus strand (A on the coding strand, the reverse complement: BARD1 is on the minus strand). VCF-style (leftmost placement, unchanged base first): chr2-214780948-G-GT. GRCh37 (hg19) VCF-style: chr2-215645672-G-GT.
Other names: c.925dupA (NM_000465.2); c.868dup, p.Thr290fs (NM_001282543.2); c.159-28394dup (NM_001282548.2); c.215+16112dup (NM_001282545.2); c.364+11348dup (NM_001282549.2); short protein forms T290fs, T309fs.
Identifiers: ClinVar variation 1074066 (VCV001074066.10), dbSNP rs2106109750, ClinGen allele CA2499215627.

ClinVar aggregate classification (germline): Pathogenic. Review status: criteria provided, multiple submitters, no conflicts (2 of 4 stars). 3 submissions from 3 submitters: Pathogenic (3). Last evaluated 2025-09-25.

Conditions:
Hereditary cancer-predisposing syndrome. Also called: Tumor predisposition; Hereditary neoplastic syndrome; Neoplastic Syndromes, Hereditary; Hereditary Cancer Syndrome. Identifiers: Orphanet 140162, MedGen C0027672, MeSH D009386, MONDO:0015356.
Familial cancer of breast. Also called: Hereditary breast cancer; hereditary breast carcinoma; BREAST CANCER, FAMILIAL. Identifiers: Orphanet 227535, MedGen C0346153, MONDO:0016419, OMIM 114480. Disease mechanism: loss of function.

Submissions (3):

Ambry Genetics
Classification: Pathogenic for Hereditary cancer-predisposing syndrome. Last evaluated: 2025-09-25. Review status: criteria provided, single submitter. Criteria: Ambry Variant Classification Scheme 2023. Collection method: clinical testing. Allele origin: germline.
Comment: The c.925dupA pathogenic mutation, located in coding exon 4 of the BARD1 gene, results from a duplication of A at nucleotide position 925, causing a translational frameshift with a predicted alternate stop codon (p.T309Nfs*3). This variant is considered to be rare based on population cohorts in the Genome Aggregation Database (gnomAD). This alteration is expected to result in loss of function by premature protein truncation or nonsense-mediated mRNA decay. As such, this alteration is interpreted as a disease-causing mutation.

Labcorp Genetics (formerly Invitae), Labcorp
Classification: Pathogenic for Familial cancer of breast. Last evaluated: 2025-01-06. Review status: criteria provided, single submitter. Criteria: Invitae Variant Classification Sherloc (09022015). Collection method: clinical testing. Allele origin: germline.
Comment: This sequence change creates a premature translational stop signal (p.Thr309Asnfs*3) in the BARD1 gene. It is expected to result in an absent or disrupted protein product. Loss-of-function variants in BARD1 are known to be pathogenic (PMID: 20077502, 21344236). This variant is not present in population databases (gnomAD no frequency). This variant has not been reported in the literature in individuals affected with BARD1-related conditions. ClinVar contains an entry for this variant (Variation ID: 1074066). For these reasons, this variant has been classified as Pathogenic.

Myriad Genetics, Inc.
Classification: Pathogenic for Familial cancer of breast. Last evaluated: 2023-05-19. Review status: criteria provided, single submitter. Criteria: Myriad Autosomal Dominant, Autosomal Recessive and X-Linked Classification Criteria (2023). Collection method: clinical testing. Allele origin: unknown.
Comment: This variant is considered pathogenic. This variant creates a frameshift predicted to result in premature protein truncation.

Literature cited by the submitters: PubMed 20077502 (cited by Labcorp Genetics (formerly Invitae), Labcorp); PubMed 21344236 (cited by Labcorp Genetics (formerly Invitae), Labcorp).